The following is an entry in ClinVar:

ClinVar aggregate classification (germline): Conflicting classifications of pathogenicity. Review status: criteria provided, conflicting classifications (1 of 4 stars). 3 submissions from 3 submitters: Pathogenic (1); Uncertain significance (1). 1 of the submissions does not count toward it. Last evaluated 2024-01-22.

Conditions:
Cortical dysplasia, complex, with other brain malformations 11 (CDCBM11). Identifiers: MedGen C5774270, MONDO:0859332, OMIM 620156.

Allele frequency attached by ClinVar (database versions not stated): 1000 Genomes Project 30x 0.00031; ESP Exome Variant Server 0.00065; gnomAD 0.00112.
gnomAD v4.1: 3,399 of 1,528,980 alleles (0.22%); highest among the groups gnomAD compares: Non-Finnish European, 0.28%; 6 homozygotes.

Submissions (3):

Women's Health and Genetics/Laboratory Corporation of America, LabCorp
Classification: Uncertain significance. Last evaluated: 2024-01-22. Review status: criteria provided, single submitter. Criteria: LabCorp Variant Classification Summary - May 2015. Collection method: clinical testing. Allele origin: germline.
Comment: Variant summary: KIF26A c.4676C>T (p.Ala1559Val) results in a non-conservative amino acid change in the encoded protein sequence. Four of five in-silico tools predict a damaging effect of the variant on protein function. The variant allele was found at a frequency of 0.0022 in 1528980 control chromosomes, predominantly at a frequency of 0.0028 within the Non-Finnish European subpopulation in the gnomAD database, including 6 homozygotes. c.4676C>T has been reported in the literature in bi-allelic individuals affected with brain malformations and polymicrogyria (example: Qian_2022, Akula_2023). These reports do not provide unequivocal conclusions about association of the variant with Cortical Dysplasia, Complex, With Other Brain Malformations 11. At least one publication reports experimental evidence evaluating an impact on protein function, however, does not allow convincing conclusions about the variant effect (example: Qian_2022). The following publications have been ascertained in the context of this evaluation (PMID: 36228617, 37486637). ClinVar contains an entry for this variant (Variation ID: 1802641). Based on the evidence outlined above, the variant was classified as uncertain significance.

Baylor Genetics
Classification: Pathogenic for Cortical dysplasia, complex, with other brain malformations 11. Last evaluated: 2023-11-21. Review status: criteria provided, single submitter. Criteria: ACMG Guidelines, 2015. Collection method: clinical testing. Allele origin: unknown.

OMIM
Classification: Pathogenic for CORTICAL DYSPLASIA, COMPLEX, WITH OTHER BRAIN MALFORMATIONS 11. Last evaluated: 2022-12-08. Review status: no assertion criteria provided. Collection method: literature only. Allele origin: germline. Not counted in ClinVar's aggregate classification.

Literature cited by the submitters: PubMed 37486637 (cited by Women's Health and Genetics/Laboratory Corporation of America, LabCorp); PubMed 36228617 (cited by Women's Health and Genetics/Laboratory Corporation of America, LabCorp and OMIM).

NM_015656.2(KIF26A):c.4676C>T (p.Ala1559Val)

Gene: KIF26A (kinesin family member 26A; plus strand). Cytogenetic location: 14q32.33.
Variant type: single nucleotide variant.
Coding change: c.4676C>T on transcript NM_015656.2 (MANE Select); coding-DNA position 4676, C replaced by T.
Protein change: p.Ala1559Val; replaces alanine 1559 with valine.
Molecular consequence: missense variant.
Genome position (GRCh38, 1-based): chr14:104,177,464, C>T. VCF-style: chr14-104177464-C-T. GRCh37 (hg19) VCF-style: chr14-104643801-C-T.
Other names: short protein forms A1559V.
Identifiers: ClinVar variation 1802641 (VCV001802641.3), dbSNP rs200958438, ClinGen allele CA7371349.